The following is an entry in ClinVar:

ClinVar aggregate classification (germline): Uncertain significance. Review status: criteria provided, multiple submitters, no conflicts (2 of 4 stars). 4 submissions from 4 submitters: Uncertain significance (4). Last evaluated 2025-06-29.

Conditions:
Hereditary cancer-predisposing syndrome. Also called: Hereditary neoplastic syndrome; Hereditary Cancer Syndrome; Tumor predisposition; Neoplastic Syndromes, Hereditary. Identifiers: Orphanet 140162, MedGen C0027672, MeSH D009386, MONDO:0015356.
Hereditary pheochromocytoma and paraganglioma. Also called: Hereditary pheochromocytoma-paraganglioma; Hereditary Paraganglioma-Pheochromocytoma Syndromes; Hereditary paragangliomas and pheochromocytomas. Identifiers: Orphanet 29072, MedGen C4274332, MONDO:0017366.

Submissions (4):

Labcorp Genetics (formerly Invitae), Labcorp
Classification: Uncertain significance for Hereditary pheochromocytoma and paraganglioma. Last evaluated: 2025-06-29. Review status: criteria provided, single submitter. Criteria: Invitae Variant Classification Sherloc (09022015). Collection method: clinical testing. Allele origin: germline.
Comment: This sequence change replaces proline, which is neutral and non-polar, with serine, which is neutral and polar, at codon 51 of the SDHAF2 protein (p.Pro51Ser). This variant is not present in population databases (gnomAD no frequency). This variant has not been reported in the literature in individuals affected with SDHAF2-related conditions. ClinVar contains an entry for this variant (Variation ID: 1019185). An algorithm developed to predict the effect of missense changes on protein structure and function (PolyPhen-2) suggests that this variant is likely to be tolerated. In summary, the available evidence is currently insufficient to determine the role of this variant in disease. Therefore, it has been classified as a Variant of Uncertain Significance.

Color Diagnostics, LLC DBA Color Health
Classification: Uncertain significance for Hereditary pheochromocytoma and paraganglioma. Last evaluated: 2025-06-23. Review status: criteria provided, single submitter. Criteria: ACMG Guidelines, 2015. Collection method: clinical testing. Allele origin: germline.
Comment: This missense variant replaces proline with serine at codon 51 of the SDHAF2 protein. Computational prediction suggests that this variant may not impact protein structure and function. To our knowledge, functional studies have not been reported for this variant. This variant has not been reported in individuals affected with SDHAF2-related disorders in the literature. This variant has not been identified in the general population by the Genome Aggregation Database (gnomAD). The available evidence is insufficient to determine the role of this variant in disease conclusively. Therefore, this variant is classified as a Variant of Uncertain Significance.

Ambry Genetics
Classification: Uncertain significance for Hereditary cancer-predisposing syndrome. Last evaluated: 2024-05-29. Review status: criteria provided, single submitter. Criteria: Ambry Variant Classification Scheme 2023. Collection method: clinical testing. Allele origin: germline.
Comment: The p.P51S variant (also known as c.151C>T), located in coding exon 2 of the SDHAF2 gene, results from a C to T substitution at nucleotide position 151. The proline at codon 51 is replaced by serine, an amino acid with similar properties. This amino acid position is conserved. In addition, this alteration is predicted to be tolerated by in silico analysis. Based on the available evidence, the clinical significance of this variant remains unclear.

All of Us Research Program, National Institutes of Health
Classification: Uncertain significance for Hereditary pheochromocytoma and paraganglioma. Last evaluated: 2023-05-04. Review status: criteria provided, single submitter. Criteria: ACMG Guidelines, 2015. Collection method: clinical testing. Allele origin: germline. Inheritance: Autosomal dominant inheritance. Observed: 1 variant allele, 1 heterozygote.
Comment: This missense variant replaces proline with serine at codon 51 of the SDHAF2 protein. Computational prediction suggests that this variant may not impact protein structure and function (internally defined REVEL score threshold <= 0.5, PMID: 27666373). To our knowledge, functional studies have not been reported for this variant. This variant has not been reported in individuals affected with SDHAF2-related disorders in the literature. This variant has not been identified in the general population by the Genome Aggregation Database (gnomAD). The available evidence is insufficient to determine the role of this variant in disease conclusively. Therefore, this variant is classified as a Variant of Uncertain Significance.

This study involves interpretation of variants in research participants for the purpose of population health screening. Participant phenotype was not available at the time of variant classification. Additional details can be found in publication PMID: 35346344, PMCID: PMC8962531

NM_017841.4(SDHAF2):c.151C>T (p.Pro51Ser)

Gene: SDHAF2 (succinate dehydrogenase complex assembly factor 2; plus strand). Cytogenetic location: 11q12.2.
Variant type: single nucleotide variant.
Coding change: c.151C>T on transcript NM_017841.4 (MANE Select); coding-DNA position 151, C replaced by T.
Protein change: p.Pro51Ser; replaces proline 51 with serine.
Molecular consequence: missense variant.
Genome position (GRCh38, 1-based): chr11:61,437,739, C>T. VCF-style: chr11-61437739-C-T. GRCh37 (hg19) VCF-style: chr11-61205211-C-T.
Other names: c.151C>T (NM_017841.2); short protein forms P51S.
Identifiers: ClinVar variation 1019185 (VCV001019185.10), dbSNP rs1862010801, ClinGen allele CA380683351.
Genomic context (GRCh38, chr11:61,437,739, plus strand): 5'-TTCAGACGCTTCTACAGAGGTGACAGCCCAACAGATTCCCAAAAGGACATGATTGAAATC[C>T]CTTTGCCTCCATGGCAGGAGAGAACTGATGAATCCATAGAAACCAAAAGAGCCCGCCTGC-3'
Protein context (NP_060311.1, residues 41-61): TDSQKDMIEI[Pro51Ser]LPPWQERTDE